The following is an entry in ClinVar:

NM_001365999.1(SZT2):c.4237C>A (p.Pro1413Thr)

Gene: SZT2 (SZT2 subunit of KICSTOR complex; plus strand). Cytogenetic location: 1p34.2.
Variant type: single nucleotide variant.
Coding change: c.4237C>A on transcript NM_001365999.1 (MANE Select); coding-DNA position 4237, C replaced by A.
Protein change: p.Pro1413Thr; replaces proline 1413 with threonine.
Molecular consequence: missense variant.
Genome position (GRCh38, 1-based): chr1:43,429,773, C>A. VCF-style: chr1-43429773-C-A. GRCh37 (hg19) VCF-style: chr1-43895444-C-A.
Other names: c.4066C>A, p.Pro1356Thr (NM_015284.4); c.4066C>A (NM_015284.3); short protein forms P1356T, P1413T.
Identifiers: ClinVar variation 1439189 (VCV001439189.6), dbSNP rs369758668, ClinGen allele CA809223.
Genomic context (GRCh38, chr1:43,429,773, plus strand): 5'-GAGGACCTAAGCGAGCCTGAGTTTCAGAGCACCCGTGTCCCTGGCATTCCAGACCCTGGG[C>A]CAGAGATCTCTCTGACAGATGTCTGCCAGCTCAGAGGAGAGGCCCATGGTGCCCTTCATA-3'
Protein context (NP_001352928.1, residues 1403-1423): TRVPGIPDPG[Pro1413Thr]EISLTDVCQL

ClinVar aggregate classification (germline): Uncertain significance. Review status: criteria provided, multiple submitters, no conflicts (2 of 4 stars). 2 submissions from 2 submitters: Uncertain significance (2). Last evaluated 2024-12-28.

Conditions:
Inborn genetic diseases. Identifiers: MedGen C0950123, MeSH D030342.

Allele frequency attached by ClinVar (database versions not stated): gnomAD exomes below 0.00001; ExAC 0.00001; gnomAD 0.00001; TOPMed 0.00002; ESP Exome Variant Server 0.00008.
gnomAD v4.1: 2 of 1,614,072 alleles (0.00012%); highest among the groups gnomAD compares: African/African-American, 0.0027%; no homozygotes.

Submissions (2):

Ambry Genetics
Classification: Uncertain significance for Inborn genetic diseases. Last evaluated: 2024-12-28. Review status: criteria provided, single submitter. Criteria: Ambry Variant Classification Scheme 2023. Collection method: clinical testing. Allele origin: germline.

Labcorp Genetics (formerly Invitae), Labcorp
Classification: Uncertain significance. Last evaluated: 2021-09-24. Review status: criteria provided, single submitter. Criteria: Invitae Variant Classification Sherloc (09022015). Collection method: clinical testing. Allele origin: germline.
Comment: This sequence change replaces proline with threonine at codon 1356 of the SZT2 protein (p.Pro1356Thr). The proline residue is moderately conserved and there is a small physicochemical difference between proline and threonine. This variant is present in population databases (rs369758668, ExAC 0.01%). This variant has not been reported in the literature in individuals with SZT2-related conditions. Algorithms developed to predict the effect of missense changes on protein structure and function (SIFT, PolyPhen-2, Align-GVGD) all suggest that this variant is likely to be tolerated, but these predictions have not been confirmed by published functional studies and their clinical significance is uncertain. In summary, the available evidence is currently insufficient to determine the role of this variant in disease. Therefore, it has been classified as a Variant of Uncertain Significance.